The following is an entry in ClinVar:

ClinVar aggregate classification (germline): Uncertain significance (1 of 4 stars; one submission).

gnomAD v4.1: 1 of 1,567,832 alleles (0.000064%); no homozygotes.

Submission:

GeneDx
Classification: Uncertain significance. Last evaluated: 2023-03-29. Review status: criteria provided, single submitter. Criteria: GeneDx Variant Classification Process June 2021. Collection method: clinical testing. Allele origin: germline. Affected: yes.
Comment: Not observed at significant frequency in large population cohorts (gnomAD); In silico analysis supports that this missense variant has a deleterious effect on protein structure/function; Has not been previously published as pathogenic or benign to our knowledge

NM_014905.5(GLS):c.1160G>A (p.Arg387Gln)

Gene: GLS (glutaminase; plus strand). Cytogenetic location: 2q32.2.
Variant type: single nucleotide variant.
Coding change: c.1160G>A on transcript NM_014905.5 (MANE Select); coding-DNA position 1160, G replaced by A.
Protein change: p.Arg387Gln; replaces arginine 387 with glutamine.
Molecular consequence: missense variant.
Genome position (GRCh38, 1-based): chr2:190,923,946, G>A. VCF-style: chr2-190923946-G-A. GRCh37 (hg19) VCF-style: chr2-191788672-G-A.
Other names: c.1160G>A, p.Arg387Gln (NM_001256310.2); short protein forms R387Q.
Identifiers: ClinVar variation 2581967 (VCV002581967.1), dbSNP rs903163208, ClinGen allele CA62671171.
Genomic context (GRCh38, chr2:190,923,946, plus strand): 5'-ATAGAGCAAATGTTTTTTTTTCTTCTTCCAGGTTTCAGTCTGAAAGAGAAAGTGGAGATC[G>A]AAATTTTGCAATAGGATATTACTTAAAAGAAAAGAAGGTTTTTAAATTTTTGTTTCTATT-3'
Protein context (NP_055720.3, residues 377-397): TFQSERESGD[Arg387Gln]NFAIGYYLKE